The following is an entry in ClinVar:

NM_001282531.3(ADNP):c.1915C>G (p.Leu639Val)

Gene: ADNP (activity dependent neuroprotector homeobox; minus strand). Cytogenetic location: 20q13.13.
Variant type: single nucleotide variant.
Coding change: c.1915C>G on transcript NM_001282531.3 (MANE Select); coding-DNA position 1915, C replaced by G.
Protein change: p.Leu639Val; replaces leucine 639 with valine.
Molecular consequence: missense variant.
Genome position (GRCh38, 1-based): chr20:50,892,799, G>C on the plus strand (C>G on the coding strand, the complement: ADNP is on the minus strand). VCF-style: chr20-50892799-G-C. GRCh37 (hg19) VCF-style: chr20-49509336-G-C.
Other names: c.1915C>G, p.Leu639Val (NM_001282532.2, NM_001347511.2, NM_015339.5 and 1 more transcripts); c.2131C>G, p.Leu711Val (NM_001439000.1); c.1231C>G, p.Leu411Val (NM_001439001.1); short protein forms L711V, L411V, L639V.
Identifiers: ClinVar variation 5009051 (VCV005009051.1).
Genomic context (GRCh38, chr20:50,892,799, plus strand): 5'-TTTTCTCAACTGGATGAACCGTCTGAATAACTTGGTGCCTCTCTCGTAAGTGATGTGCAA[G>C]TGCATCAGATATGGGTCCTTTTAGGATTGAAAAGCAAAGAGGACAAAGGGTTTTCCCAAC-3'
Protein context (NP_001269460.1, residues 629-649): SILKGPISDA[Leu639Val]AHHLRERHQV

ClinVar aggregate classification (germline): Uncertain significance (1 of 4 stars; one submission).

Submission:

GeneDx
Classification: Uncertain significance. Last evaluated: 2026-02-18. Review status: criteria provided, single submitter. Criteria: GeneDx Variant Classification Process June 2021. Collection method: clinical testing. Allele origin: germline.
Comment: Not observed at significant frequency in large population cohorts (gnomAD); In silico analysis suggests that this missense variant does not alter protein structure/function; Has not been previously published as pathogenic or benign to our knowledge